The following is an entry in ClinVar:

ClinVar aggregate classification (germline): Uncertain significance (1 of 4 stars; one submission).

Conditions:
Acute myeloid leukemia (AML). Also called: Acute myeloid leukemia, adult; AML adult; Acute non-lymphocytic leukemia; Acute granulocytic leukemia; Leukemia, acute myeloid, somatic; Leukemia, acute myelogenous, somatic. Identifiers: Orphanet 519, MedGen C0023467, MeSH D015470, MONDO:0018874, OMIM 601626, HP:0004808. Disease mechanism: Constitutively activated FLT3.

Submission:

Labcorp Genetics (formerly Invitae), Labcorp
Classification: Uncertain significance for Acute myeloid leukemia. Last evaluated: 2022-06-13. Review status: criteria provided, single submitter. Criteria: Invitae Variant Classification Sherloc (09022015). Collection method: clinical testing. Allele origin: germline.
Comment: In summary, the available evidence is currently insufficient to determine the role of this variant in disease. Therefore, it has been classified as a Variant of Uncertain Significance. Experimental studies and prediction algorithms are not available or were not evaluated, and the functional significance of this variant is currently unknown. This variant has not been reported in the literature in individuals affected with CEBPA-related conditions. This variant is not present in population databases (gnomAD no frequency). This variant, c.579_580insACGCAC, results in the insertion of 2 amino acid(s) of the CEBPA protein (p.His193_Pro194insThrHis), but otherwise preserves the integrity of the reading frame.

NM_004364.5(CEBPA):c.579_580insACGCAC (p.His193_Pro194insThrHis)

Gene: CEBPA (CCAAT enhancer binding protein alpha; minus strand). Cytogenetic location: 19q13.11.
Variant type: Insertion.
Coding change: c.579_580insACGCAC on transcript NM_004364.5 (MANE Select); coding-DNA positions 579 to 580, ACGCAC inserted.
Protein change: p.His193_Pro194insThrHis.
Molecular consequence: inframe insertion.
Genome position: GRCh38 VCF-style: chr19-33301835-G-GGTGCGT. GRCh37 (hg19) VCF-style: chr19-33792741-G-GGTGCGT.
Other names: c.222_223insACGCAC, p.His74_Pro75insThrHis (NM_001285829.2); c.684_685insACGCAC, p.His228_Pro229insThrHis (NM_001287424.2); c.537_538insACGCAC, p.His179_Pro180insThrHis (NM_001287435.2).
Identifiers: ClinVar variation 1967110 (VCV001967110.5), dbSNP rs2513330329, ClinGen allele CA2580096791.